The following is an entry in ClinVar:

ClinVar aggregate classification (germline): Uncertain significance (1 of 4 stars; one submission).

Conditions:
Hypogonadotropic hypogonadism 2 with or without anosmia (HH2). Also called: HYPOGONADOTROPIC HYPOGONADISM 2 WITHOUT ANOSMIA; HYPOGONADOTROPIC HYPOGONADISM 2 WITH OR WITHOUT ANOSMIA, SUSCEPTIBILITY TO; HYPOGONADOTROPIC HYPOGONADISM 2 WITHOUT ANOSMIA, SUSCEPTIBILITY TO; FGFR1-Related GnRH Deficiency (Kallmann Syndrome 2). Identifiers: Orphanet 478, MedGen C1563720, MONDO:0007844, OMIM 147950. Disease mechanism: loss of function.
Pfeiffer syndrome (ACS5). Also called: ACS V. Identifiers: Orphanet 710, MedGen C0220658, MONDO:0007043, OMIM 101600.

Allele frequency attached by ClinVar (database versions not stated): gnomAD exomes below 0.00001; TOPMed below 0.00001.
gnomAD v4.1: 2 of 1,613,896 alleles (0.00012%); highest among the groups gnomAD compares: Non-Finnish European, 0.000085%; no homozygotes.

Submission:

Labcorp Genetics (formerly Invitae), Labcorp
Classification: Uncertain significance for Pfeiffer syndrome; Hypogonadotropic hypogonadism 2 with or without anosmia. Last evaluated: 2022-05-10. Review status: criteria provided, single submitter. Criteria: Invitae Variant Classification Sherloc (09022015). Collection method: clinical testing. Allele origin: germline.
Comment: In summary, the available evidence is currently insufficient to determine the role of this variant in disease. Therefore, it has been classified as a Variant of Uncertain Significance. Algorithms developed to predict the effect of sequence changes on RNA splicing suggest that this variant may disrupt the consensus splice site. This variant has not been reported in the literature in individuals affected with FGFR1-related conditions. This variant is not present in population databases (gnomAD no frequency). This sequence change falls in intron 16 of the FGFR1 gene. It does not directly change the encoded amino acid sequence of the FGFR1 protein.

NM_023110.3(FGFR1):c.2187-13A>G

Gene: FGFR1 (fibroblast growth factor receptor 1; minus strand). Cytogenetic location: 8p11.23.
Variant type: single nucleotide variant.
Coding change: c.2187-13A>G on transcript NM_023110.3 (MANE Select); 13 bases into the intron before coding-DNA position 2187, A replaced by G.
Molecular consequence: intron variant.
Genome position (GRCh38, 1-based): chr8:38,414,036, T>C on the plus strand (A>G on the coding strand, the complement: FGFR1 is on the minus strand). VCF-style: chr8-38414036-T-C. GRCh37 (hg19) VCF-style: chr8-38271554-T-C.
Other names: c.1908-13A>G (NM_001354368.2); c.1914-13A>G (NM_001354370.2, NM_023106.3); c.1920-13A>G (NM_023105.3, NM_001174066.2); c.2181-13A>G (NM_001354367.2, NM_015850.4, NM_001174063.2 and 1 more transcripts); c.2157-13A>G (NM_001174064.2); c.2175-13A>G (NM_001354369.2); c.2280-13A>G (NM_001174067.2).
Identifiers: ClinVar variation 2101559 (VCV002101559.4), dbSNP rs1815366146, ClinGen allele CA1777533664.
Genomic context (GRCh38, chr8:38,414,036, plus strand): 5'-GGTCTCTGTGAGGGCACTGCATGCCAGCAGTCCCGCATCATCATGTACCTGCGGCAGGAC[T>C]GTAAGGTCAGGGACGTCTCCTGGAGATGGATACTCTCTAGTCTAGCCCCCTGCCCCTCAA-3'